The following is an entry in ClinVar:

NM_001378778.1(MPDZ):c.3802A>G (p.Asn1268Asp)

Gene: MPDZ (multiple PDZ domain crumbs cell polarity complex component; minus strand). Cytogenetic location: 9p23.
Variant type: single nucleotide variant.
Coding change: c.3802A>G on transcript NM_001378778.1 (MANE Select); coding-DNA position 3802, A replaced by G.
Protein change: p.Asn1268Asp; replaces asparagine 1268 with aspartic acid.
Molecular consequence: missense variant. On other transcripts: intron variant (14).
Genome position (GRCh38, 1-based): chr9:13,143,504, T>C on the plus strand (A>G on the coding strand, the complement: MPDZ is on the minus strand). VCF-style: chr9-13143504-T-C. GRCh37 (hg19) VCF-style: chr9-13143503-T-C.
Other names: c.3802A>G, p.Asn1268Asp (NM_001330637.2, NM_001375413.1, NM_003829.5); c.3631-3355A>G (NM_001375425.1, NM_001375420.1, NM_001375423.1 and 4 more transcripts); c.3742-3355A>G (NM_001375419.1, NM_001375416.1, NM_001375418.1 and 3 more transcripts); c.3433-3355A>G (NM_001375427.1); short protein forms N1268D.
Identifiers: ClinVar variation 1367533 (VCV001367533.8), dbSNP rs1311803726, ClinGen allele CA372949954.

ClinVar aggregate classification (germline): Uncertain significance (1 of 4 stars; one submission).

Allele frequency attached by ClinVar (database versions not stated): gnomAD 0.00001.

Submission:

Labcorp Genetics (formerly Invitae), Labcorp
Classification: Uncertain significance. Last evaluated: 2024-04-29. Review status: criteria provided, single submitter. Criteria: Invitae Variant Classification Sherloc (09022015). Collection method: clinical testing. Allele origin: germline.
Comment: This sequence change replaces asparagine, which is neutral and polar, with aspartic acid, which is acidic and polar, at codon 1268 of the MPDZ protein (p.Asn1268Asp). This variant is not present in population databases (gnomAD no frequency). This variant has not been reported in the literature in individuals affected with MPDZ-related conditions. ClinVar contains an entry for this variant (Variation ID: 1367533). An algorithm developed to predict the effect of missense changes on protein structure and function (PolyPhen-2) suggests that this variant is likely to be disruptive. In summary, the available evidence is currently insufficient to determine the role of this variant in disease. Therefore, it has been classified as a Variant of Uncertain Significance.